The following is an entry in ClinVar:

NM_000188.3(HK1):c.1368G>A (p.Val456=)

Gene: HK1 (hexokinase 1; plus strand). Cytogenetic location: 10q22.1.
Variant type: single nucleotide variant.
Coding change: c.1368G>A on transcript NM_000188.3 (MANE Select); coding-DNA position 1368, G replaced by A.
Protein change: p.Val456=; no amino-acid change (valine 456 retained).
Molecular consequence: synonymous variant.
Genome position (GRCh38, 1-based): chr10:69,382,589, G>A. VCF-style: chr10-69382589-G-A. GRCh37 (hg19) VCF-style: chr10-71142345-G-A.
Other names: c.1380G>A, p.Val460= (NM_001322364.2, NM_001358263.1, NM_033497.3 and 1 more transcripts); c.1473G>A, p.Val491= (NM_001322365.2); c.1284G>A, p.Val428= (NM_001322366.1); c.1272G>A, p.Val424= (NM_001322367.1); c.1365G>A, p.Val455= (NM_033496.3); c.1332G>A, p.Val444= (NM_033500.2).
Identifiers: ClinVar variation 3772379 (VCV003772379.13).

ClinVar aggregate classification (germline): Likely benign (1 of 4 stars; one submission).

gnomAD v4.1: 3 of 1,614,212 alleles (0.00019%); highest among the groups gnomAD compares: Non-Finnish European, 0.00025%; no homozygotes.

Submission:

CeGaT Center for Human Genetics Tuebingen
Classification: Likely benign. Last evaluated: 2025-01-01. Review status: criteria provided, single submitter. Criteria: CeGaT Center For Human Genetics Tuebingen Variant Classification Criteria Version 2. Collection method: clinical testing. Allele origin: germline. Affected: yes. Observed: 1 variant allele.
Comment: HK1: BP4